The following is an entry in ClinVar:

ClinVar aggregate classification (germline): Uncertain significance. Review status: criteria provided, multiple submitters, no conflicts (2 of 4 stars). 2 submissions from 2 submitters: Uncertain significance (2). Last evaluated 2025-07-01.

Conditions:
Multicentric carpo-tarsal osteolysis with or without nephropathy. Also called: MULTICENTRIC CARPOTARSAL OSTEOLYSIS SYNDROME; Multicentric Osteolysis of Carpal Bones and Nephropathy; MULTICENTRIC OSTEOLYSIS, AUTOSOMAL DOMINANT; OSTEOLYSIS, HEREDITARY, OF CARPAL BONES WITH OR WITHOUT NEPHROPATHY; Carnevale Canun Mendoza syndrome; Multicentric Carpotarsal Osteolysis with or without Nephropathy. Identifiers: Orphanet 2774, MedGen C2674705, MONDO:0008152, OMIM 166300.

Allele frequency attached by ClinVar (database versions not stated): gnomAD exomes below 0.00001; TOPMed below 0.00001; gnomAD 0.00001.

Submissions (2):

CeGaT Center for Human Genetics Tuebingen
Classification: Uncertain significance. Last evaluated: 2025-07-01. Review status: criteria provided, single submitter. Criteria: CeGaT Center For Human Genetics Tuebingen Variant Classification Criteria Version 2. Collection method: clinical testing. Allele origin: germline. Affected: yes. Observed: 1 variant allele.
Comment: MAFB: PM2, PP3

Illumina Laboratory Services, Illumina
Classification: Uncertain significance for Multicentric carpo-tarsal osteolysis with or without nephropathy. Last evaluated: 2018-01-13. Review status: criteria provided, single submitter. Criteria: ICSL Variant Classification Criteria 13 December 2019. Collection method: clinical testing. Allele origin: germline.

NM_005461.5(MAFB):c.329C>A (p.Ala110Glu)

Gene: MAFB (MAF bZIP transcription factor B; minus strand). Cytogenetic location: 20q12.
Variant type: single nucleotide variant.
Coding change: c.329C>A on transcript NM_005461.5 (MANE Select); coding-DNA position 329, C replaced by A.
Protein change: p.Ala110Glu; replaces alanine 110 with glutamic acid.
Molecular consequence: missense variant.
Genome position (GRCh38, 1-based): chr20:40,688,522, G>T on the plus strand (C>A on the coding strand, the complement: MAFB is on the minus strand). VCF-style: chr20-40688522-G-T. GRCh37 (hg19) VCF-style: chr20-39317162-G-T.
Other names: short protein forms A110E.
Identifiers: ClinVar variation 895059 (VCV000895059.12), dbSNP rs1478496155, ClinGen allele CA408941391.